The following is an entry in ClinVar:

ClinVar aggregate classification (germline): Uncertain significance (1 of 4 stars; one submission).

Conditions:
Atrial fibrillation, familial, 7 (ATFB7). Identifiers: MedGen C2677106, MONDO:0012828, OMIM 612240.

Allele frequency attached by ClinVar (database versions not stated): gnomAD exomes below 0.00001.

Submission:

Labcorp Genetics (formerly Invitae), Labcorp
Classification: Uncertain significance for Atrial fibrillation, familial, 7. Last evaluated: 2025-12-02. Review status: criteria provided, single submitter. Criteria: Invitae Variant Classification Sherloc (09022015). Collection method: clinical testing. Allele origin: germline.
Comment: This sequence change replaces methionine, which is neutral and non-polar, with threonine, which is neutral and polar, at codon 210 of the KCNA5 protein (p.Met210Thr). This variant is present in population databases (no rsID available, gnomAD 0.0009%). This variant has not been reported in the literature in individuals affected with KCNA5-related conditions. ClinVar contains an entry for this variant (Variation ID: 658568). Invitae Evidence Modeling of protein sequence and biophysical properties (such as structural, functional, and spatial information, amino acid conservation, physicochemical variation, residue mobility, and thermodynamic stability) indicates that this missense variant is not expected to disrupt KCNA5 protein function with a negative predictive value of 80%. In summary, the available evidence is currently insufficient to determine the role of this variant in disease. Therefore, it has been classified as a Variant of Uncertain Significance.

NM_002234.4(KCNA5):c.629T>C (p.Met210Thr)

Gene: KCNA5 (potassium voltage-gated channel subfamily A member 5; plus strand). Cytogenetic location: 12p13.32.
Variant type: single nucleotide variant.
Coding change: c.629T>C on transcript NM_002234.4 (MANE Select); coding-DNA position 629, T replaced by C.
Protein change: p.Met210Thr; replaces methionine 210 with threonine.
Molecular consequence: missense variant.
Genome position (GRCh38, 1-based): chr12:5,044,776, T>C. VCF-style: chr12-5044776-T-C. GRCh37 (hg19) VCF-style: chr12-5153942-T-C.
Other names: short protein forms M210T.
Identifiers: ClinVar variation 658568 (VCV000658568.10), dbSNP rs1228879118, ClinGen allele CA383464822.